The following is an entry in ClinVar:

NM_016604.4(KDM3B):c.2761C>T (p.Arg921Trp)

Gene: KDM3B (lysine demethylase 3B; plus strand). Cytogenetic location: 5q31.2.
Variant type: single nucleotide variant.
Coding change: c.2761C>T on transcript NM_016604.4 (MANE Select); coding-DNA position 2761, C replaced by T.
Protein change: p.Arg921Trp; replaces arginine 921 with tryptophan.
Molecular consequence: missense variant.
Genome position (GRCh38, 1-based): chr5:138,393,302, C>T. VCF-style: chr5-138393302-C-T. GRCh37 (hg19) VCF-style: chr5-137728991-C-T.
Other names: short protein forms R921W.
Identifiers: ClinVar variation 1708854 (VCV001708854.3), dbSNP rs2480217243, ClinGen allele CA361111308.

ClinVar aggregate classification (germline): Conflicting classifications of pathogenicity. Review status: criteria provided, conflicting classifications (1 of 4 stars). 2 submissions from 2 submitters: Likely pathogenic (1); Uncertain significance (1). Last evaluated 2024-08-01.

Conditions:
Inborn genetic diseases. Identifiers: MedGen C0950123, MeSH D030342.

Submissions (2):

Ambry Genetics
Classification: Likely pathogenic for Inborn genetic diseases. Last evaluated: 2024-08-01. Review status: criteria provided, single submitter. Criteria: Ambry Variant Classification Scheme 2023. Collection method: clinical testing. Allele origin: germline.
Comment: The c.2761C>T (p.R921W) alteration is located in exon 9 (coding exon 9) of the KDM3B gene. This alteration results from a C to T substitution at nucleotide position 2761, causing the arginine (R) at amino acid position 921 to be replaced by a tryptophan (W). This variant was not reported in population-based cohorts in the Genome Aggregation Database (gnomAD). This amino acid position is highly conserved in available vertebrate species. This missense alteration is located in a region that has a low rate of benign missense variation (Lek, 2016; Firth, 2009). This alteration is predicted to be deleterious by in silico analysis. Based on the available evidence, this alteration is classified as likely pathogenic.

GeneDx
Classification: Uncertain significance. Last evaluated: 2022-04-08. Review status: criteria provided, single submitter. Criteria: GeneDx Variant Classification Process June 2021. Collection method: clinical testing. Allele origin: germline. Affected: yes.
Comment: Not observed at significant frequency in large population cohorts (gnomAD); In silico analysis supports that this missense variant has a deleterious effect on protein structure/function; Has not been previously published as pathogenic or benign to our knowledge